The following is an entry in ClinVar:

ClinVar aggregate classification (germline): Uncertain significance (1 of 4 stars; one submission).

Conditions:
Citrullinemia. Identifiers: Orphanet 187, MedGen C0175683, MONDO:0015991.

Submission:

Labcorp Genetics (formerly Invitae), Labcorp
Classification: Uncertain significance for Citrullinemia. Last evaluated: 2022-04-01. Review status: criteria provided, single submitter. Criteria: Invitae Variant Classification Sherloc (09022015). Collection method: clinical testing. Allele origin: germline.
Comment: This sequence change replaces isoleucine, which is neutral and non-polar, with methionine, which is neutral and non-polar, at codon 392 of the ASS1 protein (p.Ile392Met). This variant is not present in population databases (gnomAD no frequency). This variant has not been reported in the literature in individuals affected with ASS1-related conditions. Algorithms developed to predict the effect of missense changes on protein structure and function are either unavailable or do not agree on the potential impact of this missense change (SIFT: "Deleterious"; PolyPhen-2: "Probably Damaging"; Align-GVGD: "Class C0"). In summary, the available evidence is currently insufficient to determine the role of this variant in disease. Therefore, it has been classified as a Variant of Uncertain Significance.

NM_054012.4(ASS1):c.1176C>G (p.Ile392Met)

Gene: ASS1 (argininosuccinate synthase 1; plus strand). Cytogenetic location: 9q34.11.
Variant type: single nucleotide variant.
Coding change: c.1176C>G on transcript NM_054012.4 (MANE Select); coding-DNA position 1176, C replaced by G.
Protein change: p.Ile392Met; replaces isoleucine 392 with methionine.
Molecular consequence: missense variant.
Genome position (GRCh38, 1-based): chr9:130,499,553, C>G. VCF-style: chr9-130499553-C-G. GRCh37 (hg19) VCF-style: chr9-133374940-C-G.
Other names: c.1176C>G, p.Ile392Met (NM_000050.4); short protein forms I392M.
Identifiers: ClinVar variation 2065977 (VCV002065977.4), dbSNP rs2490631438, ClinGen allele CA375232716.